The following is an entry in ClinVar:

ClinVar aggregate classification (germline): Uncertain significance (1 of 4 stars; one submission).

Allele frequency attached by ClinVar (database versions not stated): ExAC 0.00009; gnomAD 0.00012; gnomAD exomes 0.00015; TOPMed 0.00015.
gnomAD v4.1: 247 of 1,609,098 alleles (0.015%); highest among the groups gnomAD compares: Non-Finnish European, 0.02%; no homozygotes.

Submission:

Ambry Genetics
Classification: Uncertain significance. Last evaluated: 2024-09-27. Review status: criteria provided, single submitter. Criteria: Ambry Variant Classification Scheme 2023. Collection method: clinical testing. Allele origin: germline.
Comment: The p.K92I variant (also known as c.275A>T), located in coding exon 2 of the MNDA gene, results from an A to T substitution at nucleotide position 275. The lysine at codon 92 is replaced by isoleucine, an amino acid with dissimilar properties. This amino acid position is conserved. In addition, this alteration is predicted to be tolerated by in silico analysis. Since supporting evidence is limited at this time, the clinical significance of this alteration remains unclear.

NM_002432.3(MNDA):c.275A>T (p.Lys92Ile)

Gene: MNDA (myeloid cell nuclear differentiation antigen; plus strand). Cytogenetic location: 1q23.1.
Variant type: single nucleotide variant.
Coding change: c.275A>T on transcript NM_002432.3 (MANE Select); coding-DNA position 275, A replaced by T.
Protein change: p.Lys92Ile; replaces lysine 92 with isoleucine.
Molecular consequence: missense variant.
Genome position (GRCh38, 1-based): chr1:158,843,288, A>T. VCF-style: chr1-158843288-A-T. GRCh37 (hg19) VCF-style: chr1-158813078-A-T.
Other names: short protein forms K92I.
Identifiers: ClinVar variation 1795653 (VCV001795653.3), dbSNP rs201456265, ClinGen allele CA1185547.